The following is an entry in ClinVar:

ClinVar aggregate classification (germline): Uncertain significance (1 of 4 stars; one submission).

Conditions:
Myofibrillar myopathy 4. Also called: Zaspopathy (type). Identifiers: Orphanet 98912, MedGen C4721886, MONDO:0012277, OMIM 609452.

gnomAD v4.1: 1 of 1,613,390 alleles (0.000062%); highest among the groups gnomAD compares: Non-Finnish European, 0.000085%; no homozygotes.

Submission:

Labcorp Genetics (formerly Invitae), Labcorp
Classification: Uncertain significance for Myofibrillar myopathy 4. Last evaluated: 2020-12-26. Review status: criteria provided, single submitter. Criteria: Invitae Variant Classification Sherloc (09022015). Collection method: clinical testing. Allele origin: germline.
Comment: This sequence change replaces isoleucine with valine at codon 725 of the LDB3 protein (p.Ile725Val). The LDB3 gene has multiple clinically relevant transcripts. This variant occurs in alternate transcript NM_007078.3, and corresponds to NM_001080116.1:c.*33591A>G in the primary transcript. This variant is not present in population databases (ExAC no frequency). This variant has not been reported in the literature in individuals with LDB3-related conditions. ClinVar contains an entry for this variant (Variation ID: 532928). Experimental studies and prediction algorithms are not available or were not evaluated, and the functional significance of this variant is currently unknown. In summary, the available evidence is currently insufficient to determine the role of this variant in disease. Therefore, it has been classified as a Variant of Uncertain Significance.

NM_007078.3(LDB3):c.2173A>G (p.Ile725Val)

Gene: LDB3 (LIM domain binding 3; plus strand). Cytogenetic location: 10q23.2.
Variant type: single nucleotide variant.
Coding change: c.2173A>G on transcript NM_007078.3 (MANE Select); coding-DNA position 2173, A replaced by G.
Protein change: p.Ile725Val; replaces isoleucine 725 with valine.
Molecular consequence: missense variant.
Genome position (GRCh38, 1-based): chr10:86,732,965, A>G. VCF-style: chr10-86732965-A-G. GRCh37 (hg19) VCF-style: chr10-88492722-A-G.
Other names: c.1843A>G, p.Ile615Val (NM_001080114.2); c.2188A>G, p.Ile730Val (NM_001171610.2); c.1984A>G, p.Ile662Val (NM_001368064.1, NM_001368065.1); c.2032A>G, p.Ile678Val (NM_001368066.1); short protein forms I725V, I730V, I662V, I615V, I678V.
Identifiers: ClinVar variation 532928 (VCV000532928.7), dbSNP rs1554870749, ClinGen allele CA377460535.
Genomic context (GRCh38, chr10:86,732,965, plus strand): 5'-GAGGGGCAGCCGTTCTACTCCAAGAAGGACAGACCCCTGTGCAAGAAGCACGCACACACC[A>G]TCAACTTGTAGGCGGCCAAGGCCGCCTGTGCTGACGAGGCCCGGAGCTGCTCCTGCTGCT-3'
Protein context (NP_009009.1, residues 715-727): RPLCKKHAHT[Ile725Val]NL